The following is an entry in ClinVar:

NM_178452.6(DNAAF1):c.461G>A (p.Arg154His)

Gene: DNAAF1 (dynein axonemal assembly factor 1; plus strand). Cytogenetic location: 16q24.1.
Variant type: single nucleotide variant.
Coding change: c.461G>A on transcript NM_178452.6 (MANE Select); coding-DNA position 461, G replaced by A.
Protein change: p.Arg154His; replaces arginine 154 with histidine.
Molecular consequence: missense variant.
Genome position (GRCh38, 1-based): chr16:84,154,685, G>A. VCF-style: chr16-84154685-G-A. GRCh37 (hg19) VCF-style: chr16-84188290-G-A.
Other names: short protein forms R154H.
Identifiers: ClinVar variation 660077 (VCV000660077.8), dbSNP rs200946538, ClinGen allele CA8202502.

ClinVar aggregate classification (germline): Uncertain significance. Review status: criteria provided, multiple submitters, no conflicts (2 of 4 stars). 2 submissions from 2 submitters: Uncertain significance (2). Last evaluated 2024-01-04.

Conditions:
Primary ciliary dyskinesia. Also called: Ciliary dyskinesia. Identifiers: Orphanet 244, MedGen C0008780, MONDO:0016575, HP:0012265.

Allele frequency attached by ClinVar (database versions not stated): gnomAD 0.00001; ExAC 0.00002; gnomAD exomes 0.00002; TOPMed 0.00004.
gnomAD v4.1: 63 of 1,614,036 alleles (0.0039%); highest among the groups gnomAD compares: Non-Finnish European, 0.0049%; no homozygotes.

Submissions (2):

Ambry Genetics
Classification: Uncertain significance for Primary ciliary dyskinesia. Last evaluated: 2024-01-04. Review status: criteria provided, single submitter. Criteria: Ambry Variant Classification Scheme 2023. Collection method: clinical testing. Allele origin: germline.

Labcorp Genetics (formerly Invitae), Labcorp
Classification: Uncertain significance for Primary ciliary dyskinesia. Last evaluated: 2018-07-23. Review status: criteria provided, single submitter. Criteria: Invitae Variant Classification Sherloc (09022015). Collection method: clinical testing. Allele origin: germline.
Comment: This sequence change replaces arginine with histidine at codon 154 of the DNAAF1 protein (p.Arg154His). The arginine residue is highly conserved and there is a small physicochemical difference between arginine and histidine. In summary, the available evidence is currently insufficient to determine the role of this variant in disease. Therefore, it has been classified as a Variant of Uncertain Significance. Algorithms developed to predict the effect of missense changes on protein structure and function are either unavailable or do not agree on the potential impact of this missense change (SIFT: "Deleterious"; PolyPhen-2: "Probably Damaging"; Align-GVGD: "Class C0"). This variant has not been reported in the literature in individuals with DNAAF1-related disease. This variant is present in population databases (rs200946538, ExAC 0.004%).